The following is an entry in ClinVar:

ClinVar aggregate classification (germline): Uncertain significance (1 of 4 stars; one submission).

Conditions:
Hypertrophic cardiomyopathy. Also called: HYPERTROPHIC MYOCARDIOPATHY. Identifiers: Orphanet 217569, MedGen C0007194, MeSH D002312, MONDO:0005045, HP:0001639.

Submission:

Labcorp Genetics (formerly Invitae), Labcorp
Classification: Uncertain significance for Hypertrophic cardiomyopathy. Last evaluated: 2020-03-22. Review status: criteria provided, single submitter. Criteria: Invitae Variant Classification Sherloc (09022015). Collection method: clinical testing. Allele origin: germline.
Comment: This variant is not present in population databases (ExAC no frequency). This sequence change replaces proline with serine at codon 283 of the MYOM1 protein (p.Pro283Ser). The proline residue is moderately conserved and there is a moderate physicochemical difference between proline and serine. This variant has not been reported in the literature in individuals with MYOM1-related conditions. Algorithms developed to predict the effect of missense changes on protein structure and function are either unavailable or do not agree on the potential impact of this missense change (SIFT: "Tolerated"; PolyPhen-2: "Probably Damaging"; Align-GVGD: "Class C0"). In summary, the available evidence is currently insufficient to determine the role of this variant in disease. Therefore, it has been classified as a Variant of Uncertain Significance.

NM_003803.4(MYOM1):c.847C>T (p.Pro283Ser)

Gene: MYOM1 (myomesin 1; minus strand). Cytogenetic location: 18p11.31.
Variant type: single nucleotide variant.
Coding change: c.847C>T on transcript NM_003803.4 (MANE Select); coding-DNA position 847, C replaced by T.
Protein change: p.Pro283Ser; replaces proline 283 with serine.
Molecular consequence: missense variant.
Genome position (GRCh38, 1-based): chr18:3,187,562, G>A on the plus strand (C>T on the coding strand, the complement: MYOM1 is on the minus strand). VCF-style: chr18-3187562-G-A. GRCh37 (hg19) VCF-style: chr18-3187560-G-A.
Other names: c.847C>T, p.Pro283Ser (NM_019856.2); short protein forms P283S.
Identifiers: ClinVar variation 1011380 (VCV001011380.8), dbSNP rs2080835710, ClinGen allele CA401716210.